The following is an entry in ClinVar:

ClinVar aggregate classification (germline): Uncertain significance (1 of 4 stars; one submission).

Conditions:
Inborn genetic diseases. Identifiers: MedGen C0950123, MeSH D030342.

Submission:

Ambry Genetics
Classification: Uncertain significance for Inborn genetic diseases. Last evaluated: 2026-02-24. Review status: criteria provided, single submitter. Criteria: Ambry Variant Classification Scheme 2023. Collection method: clinical testing. Allele origin: germline.
Comment: The p.G238A variant (also known as c.713G>C), located in coding exon 1 of the SAMD9 gene, results from a G to C substitution at nucleotide position 713. The glycine at codon 238 is replaced by alanine, an amino acid with similar properties. This amino acid position is conserved. In addition, this alteration is predicted to be tolerated by in silico analysis. Based on the available evidence, the clinical significance of this variant remains unclear.

NM_017654.4(SAMD9):c.713G>C (p.Gly238Ala)

Gene: SAMD9 (sterile alpha motif domain containing 9; minus strand). Cytogenetic location: 7q21.2.
Variant type: single nucleotide variant.
Coding change: c.713G>C on transcript NM_017654.4 (MANE Select); coding-DNA position 713, G replaced by C.
Protein change: p.Gly238Ala; replaces glycine 238 with alanine.
Molecular consequence: missense variant.
Genome position (GRCh38, 1-based): chr7:93,105,385, C>G on the plus strand (G>C on the coding strand, the complement: SAMD9 is on the minus strand). VCF-style: chr7-93105385-C-G. GRCh37 (hg19) VCF-style: chr7-92734698-C-G.
Other names: c.713G>C, p.Gly238Ala (NM_001193307.2); short protein forms G238A.
Identifiers: ClinVar variation 4826998 (VCV004826998.1).